The following is an entry in ClinVar:

ClinVar aggregate classification (germline): Pathogenic/Likely pathogenic. Review status: criteria provided, multiple submitters, no conflicts (2 of 4 stars). 2 submissions from 2 submitters: Pathogenic (1); Likely pathogenic (1). Last evaluated 2025-02-17.

Conditions:
Primary ciliary dyskinesia. Also called: Ciliary dyskinesia. Identifiers: Orphanet 244, MedGen C0008780, MONDO:0016575, HP:0012265.

Submissions (2):

Natera, Inc.
Classification: Likely pathogenic for Primary ciliary dyskinesia. Last evaluated: 2025-02-17. Review status: criteria provided, single submitter. Criteria: Natera Variant Classification Schema (03/2026). Collection method: clinical testing. Allele origin: germline.
Comment: The c.1701del variant in DNAH5 is a frameshift variant predicted to shift the reading frame beginning at codon 568 and leads to a stop codon 2 codons downstream. This variant is expected to result in nonsense mediated decay, truncation, or a dysfunctional protein product. This variant is rare in the general population with a frequency below the threshold expected for the associated phenotype(s). Given the available evidence, this variant is classified as Likely Pathogenic.

Labcorp Genetics (formerly Invitae), Labcorp
Classification: Pathogenic for Primary ciliary dyskinesia. Last evaluated: 2024-07-17. Review status: criteria provided, single submitter. Criteria: Invitae Variant Classification Sherloc (09022015). Collection method: clinical testing. Allele origin: germline.
Comment: This sequence change creates a premature translational stop signal (p.Ala568Leufs*2) in the DNAH5 gene. It is expected to result in an absent or disrupted protein product. Loss-of-function variants in DNAH5 are known to be pathogenic (PMID: 11788826, 16627867). This variant is not present in population databases (gnomAD no frequency). This variant has not been reported in the literature in individuals affected with DNAH5-related conditions. For these reasons, this variant has been classified as Pathogenic.

Literature cited by the submitters: PubMed 11788826 (cited by Labcorp Genetics (formerly Invitae), Labcorp); PubMed 16627867 (cited by Labcorp Genetics (formerly Invitae), Labcorp).

NM_001369.3(DNAH5):c.1701del (p.Ala568fs)

Gene: DNAH5 (dynein axonemal heavy chain 5; minus strand). Cytogenetic location: 5p15.2.
Variant type: Deletion.
Coding change: c.1701del on transcript NM_001369.3 (MANE Select); coding-DNA position 1701, one base deleted (A; older notation c.1701delA).
Protein change: p.Ala568fs; shifts the reading frame from alanine 568.
Molecular consequence: frameshift variant.
Genome position (GRCh38, 1-based): chr5:13,902,082, T deleted on the plus strand (A on the coding strand, the reverse complement: DNAH5 is on the minus strand); the first of 2 consecutive T bases (chr5:13,902,082-13,902,083); deleting either gives the same sequence. VCF-style (leftmost placement, unchanged base first): chr5-13902081-CT-C. GRCh37 (hg19) VCF-style: chr5-13902190-CT-C.
Other names: c.1701del (NM_001369.2); short protein forms A568fs.
Identifiers: ClinVar variation 3680740 (VCV003680740.4).
Genomic context (GRCh38, chr5:13,902,081, plus strand): 5'-TTAGAAAATAGACAATTTCTTGAAAATTTTACCTTTCAAATTTCTTCAACATTCTTAGAG[CT>C]TGATTTGTGTTTTGAATCTTTGCAAATGTAACATCCATGAACTTCCGCAACTCGTTCTAA-3'